The following is an entry in ClinVar:

ClinVar aggregate classification (germline): Pathogenic (1 of 4 stars; one submission).

Conditions:
Citrin deficiency. Identifiers: Orphanet 247582, MedGen C1997910, MONDO:0016602.

Submission:

Labcorp Genetics (formerly Invitae), Labcorp
Classification: Pathogenic for Citrin deficiency. Last evaluated: 2020-05-20. Review status: criteria provided, single submitter. Criteria: Invitae Variant Classification Sherloc (09022015). Collection method: clinical testing. Allele origin: germline.
Comment: This variant is an out-of-frame deletion of the genomic region encompassing exon 5 of the SLC25A13 gene. This is expected to create a premature translational stop signal and result in an absent or disrupted protein product. This variant has not been reported in the literature in individuals with SLC25A13-related conditions. Loss-of-function variants in SLC25A13 are known to be pathogenic (PMID: 10369257, 14680984, 27405544). For these reasons, this variant has been classified as Pathogenic.

Literature cited by the submitters: PubMed 10369257; PubMed 14680984; PubMed 27405544.

NC_000007.13:g.(?_95838140)_(95838299_?)del

Gene: SLC25A13 (solute carrier family 25 member 13; minus strand). Cytogenetic location: 7q21.3.
Variant type: Deletion.
Identifiers: ClinVar variation 1071972 (VCV001071972.1).